The following is an entry in ClinVar:

ClinVar aggregate classification (germline): Uncertain significance (1 of 4 stars; one submission).

Submission:

Labcorp Genetics (formerly Invitae), Labcorp
Classification: Uncertain significance. Last evaluated: 2022-02-03. Review status: criteria provided, single submitter. Criteria: Invitae Variant Classification Sherloc (09022015). Collection method: clinical testing. Allele origin: germline.
Comment: This sequence change falls in intron 8 of the SLC25A12 gene. It does not directly change the encoded amino acid sequence of the SLC25A12 protein. It affects a nucleotide within the consensus splice site. This variant is present in population databases (rs770253025, gnomAD 0.002%). This variant has not been reported in the literature in individuals affected with SLC25A12-related conditions. ClinVar contains an entry for this variant (Variation ID: 957767). Variants that disrupt the consensus splice site are a relatively common cause of aberrant splicing (PMID: 17576681, 9536098). Algorithms developed to predict the effect of sequence changes on RNA splicing suggest that this variant may disrupt the consensus splice site. In summary, the available evidence is currently insufficient to determine the role of this variant in disease. Therefore, it has been classified as a Variant of Uncertain Significance.

Literature cited by the submitters: PubMed 17576681; PubMed 9536098.

NM_003705.5(SLC25A12):c.845+4_845+7del

Gene: SLC25A12 (solute carrier family 25 member 12; minus strand). Cytogenetic location: 2q31.1.
Variant type: Deletion.
Coding change: c.845+4_845+7del on transcript NM_003705.5 (MANE Select); bases 4 to 7 of the intron after coding-DNA position 845, 4 bases deleted (AGTA; older notation c.845+4_845+7delAGTA).
Molecular consequence: splice donor variant.
Genome position (GRCh38, 1-based): chr2:171,833,956-171,833,959, TACT deleted on the plus strand (AGTA on the coding strand, the reverse complement: SLC25A12 is on the minus strand); deleting any 4 consecutive bases within chr2:171,833,956-171,833,962 gives the same sequence; the c. name uses the placement nearest the transcript's 3' end. VCF-style (leftmost placement, unchanged base first): chr2-171833955-ATACT-A. GRCh37 (hg19) VCF-style: chr2-172690465-ATACT-A.
Identifiers: ClinVar variation 957767 (VCV000957767.7), dbSNP rs770253025, ClinGen allele CA1966300.